The following is an entry in ClinVar:

NM_020297.4(ABCC9):c.*1941C>A

Genes: ABCC9 (ATP binding cassette subfamily C member 9; minus strand), KCNJ8-AS1 (KCNJ8 antisense RNA 1; plus strand). Cytogenetic location: 12p12.1.
Variant type: single nucleotide variant.
Coding change: c.*1941C>A on transcript NM_020297.4 (MANE Select); 1941 bases downstream of the stop codon, C replaced by A.
Molecular consequence: 3 prime UTR variant.
Genome position (GRCh38, 1-based): chr12:21,799,103, G>T on the plus strand (C>A on the coding strand, the complement: ABCC9 is on the minus strand). VCF-style: chr12-21799103-G-T. GRCh37 (hg19) VCF-style: chr12-21952037-G-T.
Other names: c.*1941C>A (NM_001377273.1, NM_001377274.1); c.*2117C>A (NM_005691.4).
Identifiers: ClinVar variation 4084954 (VCV004084954.8).

ClinVar aggregate classification (germline): Likely benign (1 of 4 stars; one submission).

gnomAD v4.1: 623 of 148,438 alleles (0.42%); highest among the groups gnomAD compares: African/African-American, 1.5%; 2 homozygotes.

Submission:

CeGaT Center for Human Genetics Tuebingen
Classification: Likely benign. Last evaluated: 2026-01-01. Review status: criteria provided, single submitter. Criteria: CeGaT Center For Human Genetics Tuebingen Variant Classification Criteria Version 2. Collection method: clinical testing. Allele origin: germline. Affected: yes. Observed: 2 variant alleles.
Comment: ABCC9: PP2, BS1